The following is an entry in ClinVar:

NM_080680.3(COL11A2):c.2682+5G>A

Gene: COL11A2 (collagen type XI alpha 2 chain; minus strand). Cytogenetic location: 6p21.32.
Variant type: single nucleotide variant.
Coding change: c.2682+5G>A on transcript NM_080680.3 (MANE Select); 5 bases into the intron after coding-DNA position 2682, G replaced by A.
Molecular consequence: intron variant.
Genome position (GRCh38, 1-based): chr6:33,173,497, C>T on the plus strand (G>A on the coding strand, the complement: COL11A2 is on the minus strand). VCF-style: chr6-33173497-C-T. GRCh37 (hg19) VCF-style: chr6-33141274-C-T.
Other names: c.2361+5G>A (NM_080679.3); c.2424+5G>A (NM_080681.3).
Identifiers: ClinVar variation 1031065 (VCV001031065.2), dbSNP rs1175212667, ClinGen allele CA566698860.

ClinVar aggregate classification (germline): Uncertain significance. Review status: criteria provided, multiple submitters, no conflicts (2 of 4 stars). 2 submissions from 2 submitters: Uncertain significance (2). Last evaluated 2023-08-22.

Conditions:
Otospondylomegaepiphyseal dysplasia, autosomal recessive (OSMEDB). Also called: Insley-Astley syndrome; CHONDRODYSTROPHY WITH SENSORINEURAL DEAFNESS. Identifiers: Orphanet 1427, MedGen CN034493, MONDO:0044206, OMIM 215150.

Allele frequency attached by ClinVar (database versions not stated): gnomAD exomes below 0.00001.
gnomAD v4.1: 4 of 1,611,718 alleles (0.00025%); highest among the groups gnomAD compares: African/African-American, 0.0027%; no homozygotes.

Submissions (2):

Women's Health and Genetics/Laboratory Corporation of America, LabCorp
Classification: Uncertain significance. Last evaluated: 2023-08-22. Review status: criteria provided, single submitter. Criteria: LabCorp Variant Classification Summary - May 2015. Collection method: clinical testing. Allele origin: germline.
Comment: Variant summary: COL11A2 c.2682+5G>A alters a conserved nucleotide located close to a canonical splice site and therefore could affect mRNA splicing, leading to a significantly altered protein sequence. Several computational tools predict a significant impact on normal splicing: Four predict the variant weakens a canonical 5' splicing donor site. However, these predictions have yet to be confirmed by functional studies. The variant allele was found at a frequency of 4.1e-06 in 243800 control chromosomes (gnomAD). The available data on variant occurrences in the general population are insufficient to allow any conclusion about variant significance. To our knowledge, no occurrence of c.2682+5G>A in individuals affected with COL11A2-Related Disorders and no experimental evidence demonstrating its impact on protein function have been reported. One submitter has cited a clinical-significance assessment for this variant to ClinVar after 2014 and has classified the variant as uncertain significance. Based on the evidence outlined above, the variant was classified as uncertain significance.

Baylor Genetics
Classification: Uncertain significance for Otospondylomegaepiphyseal dysplasia, autosomal recessive. Last evaluated: 2020-01-15. Review status: criteria provided, single submitter. Criteria: ACMG Guidelines, 2015. Collection method: clinical testing. Allele origin: unknown. Affected: yes.
Comment: This variant was determined to be of uncertain significance according to ACMG Guidelines, 2015 [PMID:25741868].